The following is an entry in ClinVar:

NM_022168.4(IFIH1):c.2191G>T (p.Ala731Ser)

Gene: IFIH1 (interferon induced with helicase C domain 1; minus strand). Cytogenetic location: 2q24.2.
Variant type: single nucleotide variant.
Coding change: c.2191G>T on transcript NM_022168.4 (MANE Select); coding-DNA position 2191, G replaced by T.
Protein change: p.Ala731Ser; replaces alanine 731 with serine.
Molecular consequence: missense variant.
Genome position (GRCh38, 1-based): chr2:162,276,800, C>A on the plus strand (G>T on the coding strand, the complement: IFIH1 is on the minus strand). VCF-style: chr2-162276800-C-A. GRCh37 (hg19) VCF-style: chr2-163133310-C-A.
Other names: c.2191G>T (NM_022168.2); short protein forms A731S.
Identifiers: ClinVar variation 849273 (VCV000849273.8), dbSNP rs774309855, ClinGen allele CA1934272.

ClinVar aggregate classification (germline): Uncertain significance. Review status: criteria provided, multiple submitters, no conflicts (2 of 4 stars). 2 submissions from 2 submitters: Uncertain significance (2). Last evaluated 2025-02-27.

Conditions:
Aicardi-Goutieres syndrome 7 (AGS7). Identifiers: Orphanet 51, MedGen C3888244, MONDO:0014367, OMIM 615846.
Singleton-Merten syndrome 1 (SGMRT1). Also called: Widened medullary cavities of bone, aortic calcification, abnormal dentition, and muscular weakness; Syndrome of widened medullary cavities of the metacarpals and phalanges, aortic calcification and abnormal dentition. Identifiers: Orphanet 85191, MedGen C4225427, MONDO:0024535, OMIM 182250.
Inborn genetic diseases. Identifiers: MedGen C0950123, MeSH D030342.

Allele frequency attached by ClinVar (database versions not stated): gnomAD exomes below 0.00001; ExAC 0.00001; gnomAD 0.00002; TOPMed 0.00002.
gnomAD v4.1: 5 of 1,613,898 alleles (0.00031%); highest among the groups gnomAD compares: African/African-American, 0.0013%; no homozygotes.

Submissions (2):

Ambry Genetics
Classification: Uncertain significance for Inborn genetic diseases. Last evaluated: 2025-02-27. Review status: criteria provided, single submitter. Criteria: Ambry Variant Classification Scheme 2023. Collection method: clinical testing. Allele origin: germline.

Labcorp Genetics (formerly Invitae), Labcorp
Classification: Uncertain significance for Aicardi-Goutieres syndrome 7; Singleton-Merten syndrome 1. Last evaluated: 2024-01-19. Review status: criteria provided, single submitter. Criteria: Invitae Variant Classification Sherloc (09022015). Collection method: clinical testing. Allele origin: germline.
Comment: This sequence change replaces alanine, which is neutral and non-polar, with serine, which is neutral and polar, at codon 731 of the IFIH1 protein (p.Ala731Ser). This variant is not present in population databases (gnomAD no frequency). This variant has not been reported in the literature in individuals affected with IFIH1-related conditions. ClinVar contains an entry for this variant (Variation ID: 849273). Advanced modeling of protein sequence and biophysical properties (such as structural, functional, and spatial information, amino acid conservation, physicochemical variation, residue mobility, and thermodynamic stability) has been performed at Invitae for this missense variant, however the output from this modeling did not meet the statistical confidence thresholds required to predict the impact of this variant on IFIH1 protein function. In summary, the available evidence is currently insufficient to determine the role of this variant in disease. Therefore, it has been classified as a Variant of Uncertain Significance.